The following is an entry in ClinVar:

ClinVar aggregate classification (germline): Uncertain significance. Review status: criteria provided, multiple submitters, no conflicts (2 of 4 stars). 4 submissions from 4 submitters: Uncertain significance (4). Last evaluated 2026-08-04.

Conditions:
NPHP4-related disorder. Also called: NPHP4-related condition; NPHP4-related disorders. Identifiers: MedGen CN239384.
Inborn genetic diseases. Identifiers: MedGen C0950123, MeSH D030342.
Nephronophthisis. Also called: Juvenile Nephronophthisis. Identifiers: Orphanet 655, MedGen C0687120, MONDO:0019005, HP:0000090.

Allele frequency attached by ClinVar (database versions not stated): gnomAD exomes 0.00001; TOPMed 0.00008.
gnomAD v4.1: 34 of 1,549,638 alleles (0.0022%); highest among the groups gnomAD compares: African/African-American, 0.042%; 1 homozygote.

Submissions (4):

PreventionGenetics, part of Exact Sciences
Classification: Uncertain significance for NPHP4-related condition. Last evaluated: 2026-08-04. Review status: criteria provided, single submitter. Criteria: ACMG Guidelines, 2015. Collection method: clinical testing. Allele origin: germline.
Comment: The NPHP4 c.442C>G variant is predicted to result in the amino acid substitution p.Gln148Glu. To our knowledge, this variant has not been reported in the literature. This variant is reported in 0.024% of alleles in individuals of African descent in gnomAD. At this time, the clinical significance of this variant is uncertain due to the absence of conclusive functional and genetic evidence.

Ambry Genetics
Classification: Uncertain significance for Inborn genetic diseases. Last evaluated: 2025-04-04. Review status: criteria provided, single submitter. Criteria: Ambry Variant Classification Scheme 2023. Collection method: clinical testing. Allele origin: germline.

Labcorp Genetics (formerly Invitae), Labcorp
Classification: Uncertain significance for Nephronophthisis. Last evaluated: 2022-06-20. Review status: criteria provided, single submitter. Criteria: Invitae Variant Classification Sherloc (09022015). Collection method: clinical testing. Allele origin: germline.
Comment: This sequence change replaces glutamine, which is neutral and polar, with glutamic acid, which is acidic and polar, at codon 148 of the NPHP4 protein (p.Gln148Glu). This variant is present in population databases (no rsID available, gnomAD 0.02%). This variant has not been reported in the literature in individuals affected with NPHP4-related conditions. ClinVar contains an entry for this variant (Variation ID: 598495). Algorithms developed to predict the effect of missense changes on protein structure and function (SIFT, PolyPhen-2, Align-GVGD) all suggest that this variant is likely to be tolerated. In summary, the available evidence is currently insufficient to determine the role of this variant in disease. Therefore, it has been classified as a Variant of Uncertain Significance.

Eurofins Ntd Llc (ga)
Classification: Uncertain significance. Last evaluated: 2018-08-24. Review status: criteria provided, single submitter. Criteria: EGL ClinVar v180209 classification definitions. Collection method: clinical testing. Allele origin: germline. Observed: 1 variant allele, 1 heterozygote.

NM_015102.5(NPHP4):c.442C>G (p.Gln148Glu)

Gene: NPHP4 (nephrocystin 4; minus strand). Cytogenetic location: 1p36.31.
Variant type: single nucleotide variant.
Coding change: c.442C>G on transcript NM_015102.5 (MANE Select); coding-DNA position 442, C replaced by G.
Protein change: p.Gln148Glu; replaces glutamine 148 with glutamic acid.
Molecular consequence: missense variant. On other transcripts: 5 prime UTR variant (2), non-coding transcript variant (1).
Genome position (GRCh38, 1-based): chr1:5,969,097, G>C on the plus strand (C>G on the coding strand, the complement: NPHP4 is on the minus strand). VCF-style: chr1-5969097-G-C. GRCh37 (hg19) VCF-style: chr1-6029157-G-C.
Other names: c.-788C>G (NM_001291593.2); c.-925C>G (NM_001291594.2); c.442C>G (NM_015102.4, NM_015102.3); short protein forms Q148E.
Identifiers: ClinVar variation 598495 (VCV000598495.14), dbSNP rs372862010, ClinGen allele CA17126026.
Genomic context (GRCh38, chr1:5,969,097, plus strand): 5'-AAAAAGACAGACGCTGGAAAACCCCAGGGTTGTAGAAACAAGGCAGGTACCTTTTGTCCT[G>C]GGAAGCAGAGATAGGAGAGTCCGGCTGGTTGCTGAAGATCCGAAGAATTCCAAACCCACA-3'
Protein context (NP_055917.1, residues 138-158): NQPDSPISAS[Gln148Glu]DKRLRLYHGT